The following is an entry in ClinVar:

NM_001382391.1(CSPP1):c.663T>G (p.Asp221Glu)

Gene: CSPP1 (centrosome and spindle pole associated protein 1; plus strand). Cytogenetic location: 8q13.1.
Variant type: single nucleotide variant.
Coding change: c.663T>G on transcript NM_001382391.1 (MANE Select); coding-DNA position 663, T replaced by G.
Protein change: p.Asp221Glu; replaces aspartic acid 221 with glutamic acid.
Molecular consequence: missense variant. On other transcripts: 5 prime UTR variant (1).
Genome position (GRCh38, 1-based): chr8:67,095,472, T>G. VCF-style: chr8-67095472-T-G. GRCh37 (hg19) VCF-style: chr8-68007707-T-G.
Other names: c.-193T>G (NM_001291339.2); c.582T>G, p.Asp194Glu (NM_001363131.2, NM_001363133.2); c.663T>G, p.Asp221Glu (NM_001363132.2); c.771T>G, p.Asp257Glu (NM_001364869.1); c.690T>G, p.Asp230Glu (NM_001364870.1, NM_024790.7); short protein forms D194E, D221E, D230E, D257E.
Identifiers: ClinVar variation 1880640 (VCV001880640.3), dbSNP rs989374245, ClinGen allele CA178193519.
Genomic context (GRCh38, chr8:67,095,472, plus strand): 5'-GGCATATGAAGAACTTCTGAACCAAAGACGACTAGAGGAGGACAGATACCGACAACTAGA[T>G]GATGAAATCGAATTAAGGAATAGAAGAATTATTAAAAAAGCAAATGAAGAAGTGGGCATT-3'
Protein context (NP_001369320.1, residues 211-231): RLEEDRYRQL[Asp221Glu]DEIELRNRRI

ClinVar aggregate classification (germline): Uncertain significance (1 of 4 stars; one submission).

Conditions:
Joubert syndrome 21 (JBTS21). Identifiers: MedGen C3810212, MONDO:0014288, OMIM 615636.

Submission:

Labcorp Genetics (formerly Invitae), Labcorp
Classification: Uncertain significance for Joubert syndrome 21. Last evaluated: 2022-08-22. Review status: criteria provided, single submitter. Criteria: Invitae Variant Classification Sherloc (09022015). Collection method: clinical testing. Allele origin: germline.
Comment: This sequence change replaces aspartic acid, which is acidic and polar, with glutamic acid, which is acidic and polar, at codon 230 of the CSPP1 protein (p.Asp230Glu). In summary, the available evidence is currently insufficient to determine the role of this variant in disease. Therefore, it has been classified as a Variant of Uncertain Significance. Algorithms developed to predict the effect of missense changes on protein structure and function (SIFT, PolyPhen-2, Align-GVGD) all suggest that this variant is likely to be tolerated. This variant has not been reported in the literature in individuals affected with CSPP1-related conditions. This variant is not present in population databases (gnomAD no frequency).